The following is an entry in ClinVar:

NM_001367624.2(ZNF469):c.5515G>A (p.Ala1839Thr)

Gene: ZNF469 (zinc finger protein 469; plus strand). Cytogenetic location: 16q24.2.
Variant type: single nucleotide variant.
Coding change: c.5515G>A on transcript NM_001367624.2 (MANE Select); coding-DNA position 5515, G replaced by A.
Protein change: p.Ala1839Thr; replaces alanine 1839 with threonine.
Molecular consequence: missense variant.
Genome position (GRCh38, 1-based): chr16:88,432,985, G>A. VCF-style: chr16-88432985-G-A. GRCh37 (hg19) VCF-style: chr16-88499393-G-A.
Other names: short protein forms A1839T.
Identifiers: ClinVar variation 1462214 (VCV001462214.6), dbSNP rs2142307990, ClinGen allele CA397101300.

ClinVar aggregate classification (germline): Uncertain significance (1 of 4 stars; one submission).

Submission:

Labcorp Genetics (formerly Invitae), Labcorp
Classification: Uncertain significance. Last evaluated: 2021-10-29. Review status: criteria provided, single submitter. Criteria: Invitae Variant Classification Sherloc (09022015). Collection method: clinical testing. Allele origin: germline.
Comment: In summary, the available evidence is currently insufficient to determine the role of this variant in disease. Therefore, it has been classified as a Variant of Uncertain Significance. Algorithms developed to predict the effect of missense changes on protein structure and function output the following: SIFT: "Tolerated"; PolyPhen-2: "Benign"; Align-GVGD: "Class C0". The threonine amino acid residue is found in multiple mammalian species, which suggests that this missense change does not adversely affect protein function. This variant has not been reported in the literature in individuals affected with ZNF469-related conditions. This variant is not present in population databases (gnomAD no frequency). This sequence change replaces alanine, which is neutral and non-polar, with threonine, which is neutral and polar, at codon 1811 of the ZNF469 protein (p.Ala1811Thr).